The following is an entry in ClinVar:

ClinVar aggregate classification (germline): Uncertain significance (1 of 4 stars; one submission).

Conditions:
Hereditary sensory and autonomic neuropathy type 6. Also called: Neuropathy, hereditary sensory and autonomic, type VI; HSAN VI. Identifiers: Orphanet 314381, MedGen C3539003, MONDO:0013839, OMIM 614653.
Epidermolysis bullosa simplex 3, localized or generalized intermediate, with BP230 deficiency (EBS3). Also called: Epidermolysis bullosa simplex due to BP230 deficiency; Epidermolysis bullosa simplex, autosomal recessive 2. Identifiers: Orphanet 412181, MedGen C3809470, MONDO:0014180, OMIM 615425.

Allele frequency attached by ClinVar (database versions not stated): gnomAD exomes below 0.00001; gnomAD 0.00001; TOPMed 0.00001.
gnomAD v4.1: 8 of 1,613,524 alleles (0.0005%); highest among the groups gnomAD compares: African/African-American, 0.0027%; no homozygotes.

Submission:

Labcorp Genetics (formerly Invitae), Labcorp
Classification: Uncertain significance for Epidermolysis bullosa simplex 3, localized or generalized intermediate, with BP230 deficiency; Hereditary sensory and autonomic neuropathy type 6. Last evaluated: 2022-05-21. Review status: criteria provided, single submitter. Criteria: Invitae Variant Classification Sherloc (09022015). Collection method: clinical testing. Allele origin: germline.
Comment: The DST gene has multiple clinically relevant transcripts. This variant occurs in alternate transcript NM_015548.4, and corresponds to NM_001723.5:c.*80302C>T in the primary transcript. In summary, the available evidence is currently insufficient to determine the role of this variant in disease. Therefore, it has been classified as a Variant of Uncertain Significance. Experimental studies and prediction algorithms are not available or were not evaluated, and the effect of this variant on mRNA splicing is currently unknown. This variant has not been reported in the literature in individuals affected with DST-related conditions. This variant is present in population databases (no rsID available, gnomAD 0.01%). This sequence change affects codon 2993 of the DST mRNA. It is a 'silent' change, meaning that it does not change the encoded amino acid sequence of the DST protein.

NM_001374736.1(DST):c.16848C>T (p.Leu5616=)

Gene: DST (dystonin; minus strand). Cytogenetic location: 6p12.1.
Variant type: single nucleotide variant.
Coding change: c.16848C>T on transcript NM_001374736.1 (MANE Select); coding-DNA position 16848, C replaced by T.
Protein change: p.Leu5616=; no amino-acid change (leucine 5616 retained).
Molecular consequence: synonymous variant.
Genome position (GRCh38, 1-based): chr6:56,535,215, G>A on the plus strand (C>T on the coding strand, the complement: DST is on the minus strand). VCF-style: chr6-56535215-G-A. GRCh37 (hg19) VCF-style: chr6-56400013-G-A.
Other names: c.10491C>T, p.Leu3497= (NM_001144769.5); c.10077C>T, p.Leu3359= (NM_001144770.2); c.16848C>T, p.Leu5616= (NM_001374722.1); c.16215C>T, p.Leu5405= (NM_001374729.1); c.9957C>T, p.Leu3319= (NM_001374730.1, NM_001386100.1, NM_183380.4); c.16875C>T, p.Leu5625= (NM_001374734.1); c.8979C>T, p.Leu2993= (NM_015548.5).
Identifiers: ClinVar variation 1938169 (VCV001938169.5), dbSNP rs976711502, ClinGen allele CA139193566.